The following is an entry in ClinVar:

ClinVar aggregate classification (germline): Uncertain significance (1 of 4 stars; one submission).

Submission:

Labcorp Genetics (formerly Invitae), Labcorp
Classification: Uncertain significance. Last evaluated: 2022-02-09. Review status: criteria provided, single submitter. Criteria: Invitae Variant Classification Sherloc (09022015). Collection method: clinical testing. Allele origin: germline.
Comment: This variant, c.2620_2622del, results in the deletion of 1 amino acid(s) of the PLK4 protein (p.Ser874del), but otherwise preserves the integrity of the reading frame. This variant is not present in population databases (gnomAD no frequency). This variant has not been reported in the literature in individuals affected with PLK4-related conditions. Experimental studies and prediction algorithms are not available or were not evaluated, and the functional significance of this variant is currently unknown. In summary, the available evidence is currently insufficient to determine the role of this variant in disease. Therefore, it has been classified as a Variant of Uncertain Significance.

NM_014264.5(PLK4):c.2617TCT[1] (p.Ser874del)

Gene: PLK4 (polo like kinase 4; plus strand). Cytogenetic location: 4q28.1.
Variant type: Microsatellite.
Coding change: c.2617TCT[1] on transcript NM_014264.5 (MANE Select); one copy of the 3-base unit TCT starting at c.2617; the reference has two copies in a row; one copy, 3 bases deleted.
Protein change: p.Ser874del; deletes serine 874.
Molecular consequence: inframe deletion.
Genome position (GRCh38, 1-based): chr4:127,895,010-127,895,012, TCT deleted; deleting any 3 consecutive bases within chr4:127,895,007-127,895,012 gives the same sequence; the position shown is the placement nearest the transcript's 3' end. VCF-style (leftmost placement, unchanged base first): chr4-127895006-CTCT-C. GRCh37 (hg19) VCF-style: chr4-128816161-CTCT-C.
Other names: c.2521TCT[1], p.Ser842del (NM_001190799.2); c.2494TCT[1], p.Ser833del (NM_001190801.2); short protein forms S874del, S842del, S833del.
Identifiers: ClinVar variation 2095698 (VCV002095698.1), dbSNP rs2546024753, ClinGen allele CA2580616777.
Genomic context (GRCh38, chr4:127,895,006, plus strand): 5'-TTTGTAGATGGTTACAAATGAAGGACTTGGTCTTACAACTACAGCTTCTGGAACAGACAT[CTCT>C]TCTAATAGTCTAAAAGATTGTCTTCCTAAATCAGCACAACTTTTGAAATCTGTTTTTGTG-3'